The following is an entry in ClinVar:

ClinVar aggregate classification (germline): Uncertain significance. Review status: criteria provided, multiple submitters, no conflicts (2 of 4 stars). 4 submissions from 4 submitters: Uncertain significance (4). Last evaluated 2026-02-03.

Conditions:
KIT-related disorder. Also called: KIT-related condition.
Mastocytosis. Also called: Mast Cell Disease. Identifiers: Orphanet 98292, MedGen C0024899, MONDO:0007950, HP:0100495.
Gastrointestinal stromal tumor. Also called: Gastrointestinal stromal tumor, somatic; Gastrointestinal stroma tumor. Identifiers: Orphanet 44890, MedGen C0238198, MeSH D046152, MONDO:0011719, OMIM 606764, HP:0100723.
Hereditary cancer-predisposing syndrome. Also called: Neoplastic Syndromes, Hereditary; Hereditary Cancer Syndrome; Hereditary neoplastic syndrome; Tumor predisposition. Identifiers: Orphanet 140162, MedGen C0027672, MeSH D009386, MONDO:0015356.

Allele frequency attached by ClinVar (database versions not stated): gnomAD 0.00001; gnomAD exomes 0.00001.
gnomAD v4.1: 21 of 1,613,386 alleles (0.0013%); highest among the groups gnomAD compares: Non-Finnish European, 0.0018%; no homozygotes.

Submissions (4):

Labcorp Genetics (formerly Invitae), Labcorp
Classification: Uncertain significance for Gastrointestinal stromal tumor. Last evaluated: 2026-02-03. Review status: criteria provided, single submitter. Criteria: Invitae Variant Classification Sherloc (09022015). Collection method: clinical testing. Allele origin: germline.
Comment: This sequence change replaces alanine, which is neutral and non-polar, with valine, which is neutral and non-polar, at codon 755 of the KIT protein (p.Ala755Val). This variant is not present in population databases (gnomAD no frequency). This variant has not been reported in the literature in individuals affected with KIT-related conditions. ClinVar contains an entry for this variant (Variation ID: 458912). An algorithm developed to predict the effect of missense changes on protein structure and function (PolyPhen-2) suggests that this variant is likely to be disruptive. In summary, the available evidence is currently insufficient to determine the role of this variant in disease. Therefore, it has been classified as a Variant of Uncertain Significance.

Ambry Genetics
Classification: Uncertain significance for Hereditary cancer-predisposing syndrome. Last evaluated: 2024-04-16. Review status: criteria provided, single submitter. Criteria: Ambry Variant Classification Scheme 2023. Collection method: clinical testing. Allele origin: germline.
Comment: The p.A755V variant (also known as c.2264C>T), located in coding exon 16 of the KIT gene, results from a C to T substitution at nucleotide position 2264. The alanine at codon 755 is replaced by valine, an amino acid with similar properties. This amino acid position is conserved. In addition, this alteration is predicted to be tolerated by in silico analysis. Since supporting evidence is limited at this time, the clinical significance of this alteration remains unclear.

PreventionGenetics, part of Exact Sciences
Classification: Uncertain significance for KIT-related condition. Last evaluated: 2022-12-30. Review status: criteria provided, single submitter. Criteria: ACMG Guidelines, 2015. Collection method: clinical testing. Allele origin: germline.
Comment: The KIT c.2264C>T variant is predicted to result in the amino acid substitution p.Ala755Val. To our knowledge, this variant has not been reported in the literature. This variant is reported in 0.0065% of alleles in individuals of European (Non-Finnish) descent in gnomAD. At this time, the clinical significance of this variant is uncertain due to the absence of conclusive functional and genetic evidence.

Blueprint Genetics
Classification: Uncertain significance. Last evaluated: 2021-12-20. Review status: criteria provided, single submitter. Criteria: ACMG Guidelines, 2015. Collection method: clinical testing. Allele origin: germline.

NM_000222.3(KIT):c.2264C>T (p.Ala755Val)

Gene: KIT (KIT proto-oncogene, receptor tyrosine kinase; plus strand). Cytogenetic location: 4q12.
Variant type: single nucleotide variant.
Coding change: c.2264C>T on transcript NM_000222.3 (MANE Select); coding-DNA position 2264, C replaced by T.
Protein change: p.Ala755Val; replaces alanine 755 with valine.
Molecular consequence: missense variant.
Genome position (GRCh38, 1-based): chr4:54,731,901, C>T. VCF-style: chr4-54731901-C-T. GRCh37 (hg19) VCF-style: chr4-55598067-C-T.
Other names: c.2252C>T, p.Ala751Val (NM_001093772.2, NM_001385292.1); c.2267C>T, p.Ala756Val (NM_001385284.1); c.2261C>T, p.Ala754Val (NM_001385285.1); c.2249C>T, p.Ala750Val (NM_001385286.1); c.2255C>T, p.Ala752Val (NM_001385288.1); c.2264C>T, p.Ala755Val (NM_001385290.1); short protein forms A755V, A751V, A750V, A752V, A754V, A756V.
Identifiers: ClinVar variation 458912 (VCV000458912.18), dbSNP rs758252647, ClinGen allele CA96878407.